The following is an entry in ClinVar:

ClinVar aggregate classification (germline): Uncertain significance. Review status: criteria provided, multiple submitters, no conflicts (2 of 4 stars). 2 submissions from 2 submitters: Uncertain significance (2). Last evaluated 2022-03-14.

Allele frequency attached by ClinVar (database versions not stated): gnomAD exomes below 0.00001; TOPMed below 0.00001; gnomAD 0.00001.

Submissions (2):

Labcorp Genetics (formerly Invitae), Labcorp
Classification: Uncertain significance. Last evaluated: 2022-03-14. Review status: criteria provided, single submitter. Criteria: Invitae Variant Classification Sherloc (09022015). Collection method: clinical testing. Allele origin: germline.
Comment: This sequence change replaces arginine, which is basic and polar, with glycine, which is neutral and non-polar, at codon 811 of the OCA2 protein (p.Arg811Gly). This variant is present in population databases (no rsID available, gnomAD 0.006%). This variant has not been reported in the literature in individuals affected with OCA2-related conditions. Algorithms developed to predict the effect of missense changes on protein structure and function are either unavailable or do not agree on the potential impact of this missense change (SIFT: "Tolerated"; PolyPhen-2: "Probably Damaging"; Align-GVGD: "Class C0"). Algorithms developed to predict the effect of sequence changes on RNA splicing suggest that this variant may disrupt the consensus splice site. In summary, the available evidence is currently insufficient to determine the role of this variant in disease. Therefore, it has been classified as a Variant of Uncertain Significance.

Blueprint Genetics
Classification: Uncertain significance. Last evaluated: 2019-06-11. Review status: criteria provided, single submitter. Criteria: ACMG Guidelines, 2015. Collection method: clinical testing. Allele origin: germline.

NM_000275.3(OCA2):c.2431A>G (p.Arg811Gly)

Gene: OCA2 (OCA2 melanosomal transmembrane protein; minus strand). Cytogenetic location: 15q13.1.
Variant type: single nucleotide variant.
Coding change: c.2431A>G on transcript NM_000275.3 (MANE Select); coding-DNA position 2431, A replaced by G.
Protein change: p.Arg811Gly; replaces arginine 811 with glycine.
Molecular consequence: missense variant.
Genome position (GRCh38, 1-based): chr15:27,844,960, T>C on the plus strand (A>G on the coding strand, the complement: OCA2 is on the minus strand). VCF-style: chr15-27844960-T-C. GRCh37 (hg19) VCF-style: chr15-28090106-T-C.
Other names: c.2359A>G, p.Arg787Gly (NM_001300984.2); short protein forms R811G, R787G.
Identifiers: ClinVar variation 1511266 (VCV001511266.6), dbSNP rs1342026238, ClinGen allele CA391358213.